The following is an entry in ClinVar:

NM_007327.4(GRIN1):c.525G>A (p.Ala175=)

Gene: GRIN1 (glutamate ionotropic receptor NMDA type subunit 1; plus strand). Cytogenetic location: 9q34.3.
Variant type: single nucleotide variant.
Coding change: c.525G>A on transcript NM_007327.4 (MANE Select); coding-DNA position 525, G replaced by A.
Protein change: p.Ala175=; no amino-acid change (alanine 175 retained).
Molecular consequence: synonymous variant.
Genome position (GRCh38, 1-based): chr9:137,145,857, G>A. VCF-style: chr9-137145857-G-A. GRCh37 (hg19) VCF-style: chr9-140040309-G-A.
Other names: p.Ala175=; c.525G>A, p.Ala175= (NM_000832.7, NM_001185090.2, NM_001185091.2 and 1 more transcripts).
Identifiers: ClinVar variation 240835 (VCV000240835.41), dbSNP rs77812749, ClinGen allele CA5360671.

ClinVar aggregate classification (germline): Benign/Likely benign. Review status: criteria provided, multiple submitters, no conflicts (2 of 4 stars). 6 submissions from 6 submitters: Benign (2); Likely benign (4). Last evaluated 2026-01-28.

Conditions:
Neurodevelopmental disorder with or without hyperkinetic movements and seizures, autosomal dominant. Also called: Intellectual disability, autosomal dominant 8. Identifiers: MedGen C3280282, MONDO:0013655, OMIM 614254.
Inborn genetic diseases. Identifiers: MedGen C0950123, MeSH D030342.

Allele frequency attached by ClinVar (database versions not stated): gnomAD exomes 0.00021 and 0.00042; ExAC 0.00065; ESP Exome Variant Server 0.00131; TOPMed 0.00145; gnomAD 0.00155 and 0.00163; 1000 Genomes Project 0.00160; 1000 Genomes Project 30x 0.00203.
gnomAD v4.1: 552 of 1,610,350 alleles (0.034%); highest among the groups gnomAD compares: African/African-American, 0.53%; 1 homozygote.

Submissions (6):

Labcorp Genetics (formerly Invitae), Labcorp
Classification: Benign for Neurodevelopmental disorder with or without hyperkinetic movements and seizures, autosomal dominant. Last evaluated: 2026-01-28. Review status: criteria provided, single submitter. Criteria: Invitae Variant Classification Sherloc (09022015). Collection method: clinical testing. Allele origin: germline.

Mayo Clinic Laboratories, Mayo Clinic
Classification: Likely benign. Last evaluated: 2025-06-26. Review status: criteria provided, single submitter. Criteria: ACMG Guidelines, 2015. Collection method: clinical testing. Allele origin: germline. Observed: 4 variant alleles.
Comment: BS1, BP4, BP7

CeGaT Center for Human Genetics Tuebingen
Classification: Likely benign. Last evaluated: 2025-03-01. Review status: criteria provided, single submitter. Criteria: CeGaT Center For Human Genetics Tuebingen Variant Classification Criteria Version 2. Collection method: clinical testing. Allele origin: germline. Affected: yes. Observed: 2 variant alleles.
Comment: GRIN1: BP4, BP7

Blueprint Genetics
Classification: Likely benign. Last evaluated: 2024-04-22. Review status: criteria provided, single submitter. Criteria: ACMG Guidelines, 2015. Collection method: clinical testing. Allele origin: germline.

GeneDx
Classification: Benign. Last evaluated: 2017-03-13. Review status: criteria provided, single submitter. Criteria: GeneDx Variant Classification (06012015). Collection method: clinical testing. Allele origin: germline. Affected: yes.
Comment: This variant is considered likely benign or benign based on one or more of the following criteria: it is a conservative change, it occurs at a poorly conserved position in the protein, it is predicted to be benign by multiple in silico algorithms, and/or has population frequency not consistent with disease.

Ambry Genetics
Classification: Likely benign for Inborn genetic diseases. Last evaluated: 2016-07-08. Review status: criteria provided, single submitter. Criteria: Ambry Variant Classification Scheme 2023. Collection method: clinical testing. Allele origin: germline.